The following is an entry in ClinVar:

NM_019098.5(CNGB3):c.1781+1G>A

Gene: CNGB3 (cyclic nucleotide gated channel subunit beta 3; minus strand). Cytogenetic location: 8q21.3.
Variant type: single nucleotide variant.
Coding change: c.1781+1G>A on transcript NM_019098.5 (MANE Select); the canonical splice donor site of the intron after coding-DNA position 1781, G replaced by A.
Molecular consequence: splice donor variant.
Genome position (GRCh38, 1-based): chr8:86,604,092, C>T on the plus strand (G>A on the coding strand, the complement: CNGB3 is on the minus strand). VCF-style: chr8-86604092-C-T. GRCh37 (hg19) VCF-style: chr8-87616320-C-T.
Identifiers: ClinVar variation 427708 (VCV000427708.2), dbSNP rs1375507464, ClinGen allele CA371448978.

ClinVar aggregate classification (germline): Pathogenic. Review status: criteria provided, single submitter (1 of 4 stars). 2 submissions from 2 submitters: Pathogenic (1). 1 of the submissions does not count toward it. Last evaluated 2025-06-30.

Conditions:
Achromatopsia. Also called: Rod monochromatism. Identifiers: Orphanet 49382, MedGen C0152200, MONDO:0018852, HP:0011516.
Achromatopsia 3 (ACHM3). Also called: TOTAL COLORBLINDNESS WITH MYOPIA; ROD MONOCHROMACY 1; ROD MONOCHROMATISM 1; PINGELAPESE BLINDNESS; ACHROMATOPSIA WITH MYOPIA. Identifiers: Orphanet 49382, MedGen C1849792, MONDO:0009875, OMIM 262300.

gnomAD v4.1: 2 of 1,588,848 alleles (0.00013%); highest among the groups gnomAD compares: South Asian, 0.0011%; no homozygotes.

Submissions (2):

Natera, Inc.
Classification: Pathogenic for Achromatopsia. Last evaluated: 2025-06-30. Review status: criteria provided, single submitter. Criteria: Natera Variant Classification Schema (03/2026). Collection method: clinical testing. Allele origin: germline.
Comment: The c.1781+1G>A variant in CNGB3 is a canonical splice donor site variant predicted to affect pre-mRNA splicing, which may result in an abnormal transcript and altered protein product. This variant is expected to result in nonsense mediated decay, truncation, or a dysfunctional protein product. This variant is rare in the general population with a frequency below the threshold expected for the associated phenotype(s). This variant has been observed in one or more individuals affected with the associated recessive disease, as either homozygous or compound heterozygous with a second variant (PMID: 15657609). Given the available evidence, this variant is classified as Pathogenic.

Molecular Genetics Laboratory, Institute for Ophthalmic Research
Classification: Pathogenic for ACHM3. Last evaluated: 2017-03-27. Review status: no assertion criteria provided. Collection method: research. Allele origin: germline. Affected: yes. Not counted in ClinVar's aggregate classification.

Literature cited by the submitters: PubMed 15657609 (cited by Natera, Inc.); PubMed 28795510 (cited by Molecular Genetics Laboratory, Institute for Ophthalmic Research).